The following is an entry in ClinVar:

ClinVar aggregate classification (germline): Uncertain significance. Review status: criteria provided, multiple submitters, no conflicts (2 of 4 stars). 3 submissions from 3 submitters: Uncertain significance (3). Last evaluated 2025-01-07.

Conditions:
Inborn genetic diseases. Identifiers: MedGen C0950123, MeSH D030342.
Familial hemophagocytic lymphohistiocytosis 3 (FHL3). Also called: UNC13D-Related Familial Hemophagocytic Lymphohistiocytosis (UNC13D-fHLH). Identifiers: Orphanet 540, MedGen C1837174, MONDO:0012146, OMIM 608898.

gnomAD v4.1: 27 of 1,612,850 alleles (0.0017%); highest among the groups gnomAD compares: South Asian, 0.011%; 1 homozygote.

Submissions (3):

Ambry Genetics
Classification: Uncertain significance for Inborn genetic diseases. Last evaluated: 2025-01-07. Review status: criteria provided, single submitter. Criteria: Ambry Variant Classification Scheme 2023. Collection method: clinical testing. Allele origin: germline.

Blueprint Genetics
Classification: Uncertain significance. Last evaluated: 2024-05-30. Review status: criteria provided, single submitter. Criteria: ACMG Guidelines, 2015. Collection method: clinical testing. Allele origin: germline.

Labcorp Genetics (formerly Invitae), Labcorp
Classification: Uncertain significance for Familial hemophagocytic lymphohistiocytosis 3. Last evaluated: 2021-12-29. Review status: criteria provided, single submitter. Criteria: Invitae Variant Classification Sherloc (09022015). Collection method: clinical testing. Allele origin: germline.
Comment: This sequence change replaces arginine, which is basic and polar, with cysteine, which is neutral and slightly polar, at codon 293 of the UNC13D protein (p.Arg293Cys). This variant is present in population databases (rs778801174, gnomAD 0.01%). This variant has not been reported in the literature in individuals affected with UNC13D-related conditions. Algorithms developed to predict the effect of missense changes on protein structure and function are either unavailable or do not agree on the potential impact of this missense change (SIFT: "Not Available"; PolyPhen-2: "Probably Damaging"; Align-GVGD: "Not Available"). In summary, the available evidence is currently insufficient to determine the role of this variant in disease. Therefore, it has been classified as a Variant of Uncertain Significance.

NM_199242.3(UNC13D):c.877C>T (p.Arg293Cys)

Gene: UNC13D (unc-13 homolog D; minus strand). Cytogenetic location: 17q25.1.
Variant type: single nucleotide variant.
Coding change: c.877C>T on transcript NM_199242.3 (MANE Select); coding-DNA position 877, C replaced by T.
Protein change: p.Arg293Cys; replaces arginine 293 with cysteine.
Molecular consequence: missense variant.
Genome position (GRCh38, 1-based): chr17:75,840,092, G>A on the plus strand (C>T on the coding strand, the complement: UNC13D is on the minus strand). VCF-style: chr17-75840092-G-A. GRCh37 (hg19) VCF-style: chr17-73836173-G-A.
Other names: short protein forms R293C.
Identifiers: ClinVar variation 2054038 (VCV002054038.3), dbSNP rs778801174, ClinGen allele CA8773224.